The following is an entry in ClinVar:

NM_002520.7(NPM1):c.869_875delinsCCCTGGCTAGG (p.Trp290fs)

Gene: NPM1 (nucleophosmin 1; plus strand). Cytogenetic location: 5q35.1.
Variant type: Indel.
Coding change: c.869_875delinsCCCTGGCTAGG on transcript NM_002520.7 (MANE Select); coding-DNA positions 869 to 875, GGAGGAA replaced by CCCTGGCTAGG.
Protein change: p.Trp290fs; shifts the reading frame from tryptophan 290.
Molecular consequence: frameshift variant. On other transcripts: non-coding transcript variant (1).
Genome position (GRCh38, 1-based): chr5:171,410,549-171,410,555, GGAGGAA replaced by CCCTGGCTAGG. VCF-style: chr5-171410549-GGAGGAA-CCCTGGCTAGG. GRCh37 (hg19) VCF-style: chr5-170837553-GGAGGAA-CCCTGGCTAGG.
Other names: c.869_875delinsCCCTGGCTAGG, p.Trp290fs (NM_001355006.2); c.677_683delinsCCCTGGCTAGG, p.Trp226fs (NM_001355007.2); c.488_494delinsCCCTGGCTAGG, p.Trp163fs (NM_001355010.2); c.782_788delinsCCCTGGCTAGG, p.Trp261fs (NM_199185.4); short protein forms W163fs, W261fs, W290fs, W226fs.
Identifiers: ClinVar variation 632551 (VCV000632551.3), dbSNP rs1561878500, ClinGen allele CA913189958.

ClinVar aggregate classification (germline): Pathogenic (1 of 4 stars; one submission).

Conditions:
Acute myeloid leukemia (AML). Also called: Acute myeloid leukemia, adult; AML adult; Acute non-lymphocytic leukemia; Acute granulocytic leukemia; Leukemia, acute myeloid, somatic; Leukemia, acute myelogenous, somatic. Identifiers: Orphanet 519, MedGen C0023467, MeSH D015470, MONDO:0018874, OMIM 601626, HP:0004808. Disease mechanism: Constitutively activated FLT3.

Submission:

Molecular Haematology Laboratory, NSW Health Pathology
Classification: Pathogenic for Acute myeloid leukemia. Last evaluated: 2019-05-15. Review status: criteria provided, single submitter. Criteria: ACMG Guidelines, 2015. Collection method: clinical testing. Allele origin: somatic. Inheritance: Somatic mutation. Affected: yes. Observed: 1 heterozygote.
Comment: The locus of the mutation is in the mutational hotspot for NPM1 mutations in acute myeloid leukemia and results in a frameshift [NM_002520.6(NPM1_i001):p.(Trp290Serfs*10)] with the same loss of protein domain as other NPM1 mutations identified in this disease.